The following is an entry in ClinVar:

ClinVar aggregate classification (germline): Uncertain significance (1 of 4 stars; one submission).

Conditions:
LRRC45-related disorder. Also called: LRRC45-related condition.

Submission:

PreventionGenetics, part of Exact Sciences
Classification: Uncertain significance for LRRC45-related condition. Last evaluated: 2026-03-19. Review status: criteria provided, single submitter. Criteria: ACMG Guidelines, 2015. Collection method: clinical testing. Allele origin: germline.
Comment: The LRRC45 c.1029G>C variant is predicted to result in the amino acid substitution p.Glu343Asp. To our knowledge, this variant has not been reported in the literature or in gnomAD, indicating that this variant is rare. At this time, the clinical significance of this variant is uncertain due to the absence of conclusive functional and genetic evidence.

NM_144999.4(LRRC45):c.1029G>C (p.Glu343Asp)

Gene: LRRC45 (leucine rich repeat containing 45; plus strand). Cytogenetic location: 17q25.3.
Variant type: single nucleotide variant.
Coding change: c.1029G>C on transcript NM_144999.4 (MANE Select); coding-DNA position 1029, G replaced by C.
Protein change: p.Glu343Asp; replaces glutamic acid 343 with aspartic acid.
Molecular consequence: missense variant.
Genome position (GRCh38, 1-based): chr17:82,028,128, G>C. VCF-style: chr17-82028128-G-C. GRCh37 (hg19) VCF-style: chr17-79986004-G-C.
Other names: short protein forms E343D.
Identifiers: ClinVar variation 4999517 (VCV004999517.1).
Genomic context (GRCh38, chr17:82,028,128, plus strand): 5'-GGAGCTCCTGGCCACAGCGGAGCAGGAGCAGCTGAGCCTGTCACAGAGGCAGGCCAAGGA[G>C]CTCAAGCTGGAGCAGCAGGTGGGTGGGCAGGGCTTGAGAGGGGTGGGCCAAGGGGTGCGT-3'
Protein context (NP_659436.1, residues 333-353): QLSLSQRQAK[Glu343Asp]LKLEQQEAAE